The following is an entry in ClinVar:

NM_001458.5(FLNC):c.6526C>T (p.Arg2176Cys)

Genes: FLNC (filamin C; plus strand), FLNC-AS1 (FLNC antisense RNA 1; minus strand). Cytogenetic location: 7q32.1.
Variant type: single nucleotide variant.
Coding change: c.6526C>T on transcript NM_001458.5 (MANE Select); coding-DNA position 6526, C replaced by T.
Protein change: p.Arg2176Cys; replaces arginine 2176 with cysteine.
Molecular consequence: missense variant.
Genome position (GRCh38, 1-based): chr7:128,854,015, C>T. VCF-style: chr7-128854015-C-T. GRCh37 (hg19) VCF-style: chr7-128494069-C-T.
Other names: c.6427C>T, p.Arg2143Cys (NM_001127487.2); short protein forms R2176C, R2143C.
Identifiers: ClinVar variation 581430 (VCV000581430.7), dbSNP rs376885778, ClinGen allele CA166191053.

ClinVar aggregate classification (germline): Uncertain significance (1 of 4 stars; one submission).

Conditions:
Hypertrophic cardiomyopathy 26. Also called: Cardiomyopathy, familial hypertrophic, 26. Identifiers: Orphanet 75249, MedGen C4310749, MONDO:0014883, OMIM 617047.
Myofibrillar myopathy 5. Also called: FILAMINOPATHY, AUTOSOMAL DOMINANT; Filaminopathy (type). Identifiers: Orphanet 171445, MedGen C1836050, MONDO:0012289, OMIM 609524.
Distal myopathy with posterior leg and anterior hand involvement. Also called: WILLIAMS DISTAL MYOPATHY. Identifiers: Orphanet 63273, MedGen C3279722, MONDO:0013550, OMIM 614065.

Allele frequency attached by ClinVar (database versions not stated): gnomAD exomes below 0.00001; TOPMed 0.00002; ESP Exome Variant Server 0.00008.

Submission:

Labcorp Genetics (formerly Invitae), Labcorp
Classification: Uncertain significance for Distal myopathy with posterior leg and anterior hand involvement; Myofibrillar myopathy 5; Hypertrophic cardiomyopathy 26. Last evaluated: 2026-01-05. Review status: criteria provided, single submitter. Criteria: Invitae Variant Classification Sherloc (09022015). Collection method: clinical testing. Allele origin: germline.
Comment: This sequence change replaces arginine, which is basic and polar, with cysteine, which is neutral and slightly polar, at codon 2176 of the FLNC protein (p.Arg2176Cys). This variant is present in population databases (rs376885778, gnomAD 0.005%). This missense change has been observed in individual(s) with limb girdle muscular dystrophy (PMID: 28256728). ClinVar contains an entry for this variant (Variation ID: 581430). An algorithm developed to predict the effect of missense changes on protein structure and function (PolyPhen-2) suggests that this variant is likely to be tolerated. In summary, the available evidence is currently insufficient to determine the role of this variant in disease. Therefore, it has been classified as a Variant of Uncertain Significance.

Literature cited by the submitters: PubMed 28256728.